The following is an entry in ClinVar:

ClinVar aggregate classification (germline): Uncertain significance. Review status: criteria provided, multiple submitters, no conflicts (2 of 4 stars). 2 submissions from 2 submitters: Uncertain significance (2). Last evaluated 2025-05-13.

Allele frequency attached by ClinVar (database versions not stated): gnomAD exomes 0.00001; ExAC 0.00003; gnomAD 0.00003; TOPMed 0.00004.
gnomAD v4.1: 25 of 1,611,898 alleles (0.0016%); highest among the groups gnomAD compares: East Asian, 0.022%; 1 homozygote.

Submissions (2):

Labcorp Genetics (formerly Invitae), Labcorp
Classification: Uncertain significance. Last evaluated: 2025-05-13. Review status: criteria provided, single submitter. Criteria: Invitae Variant Classification Sherloc (09022015). Collection method: clinical testing. Allele origin: germline.
Comment: This sequence change replaces alanine, which is neutral and non-polar, with valine, which is neutral and non-polar, at codon 442 of the CREB3L3 protein (p.Ala442Val). This variant is present in population databases (rs747375212, gnomAD 0.07%), and has an allele count higher than expected for a pathogenic variant. This variant has not been reported in the literature in individuals affected with CREB3L3-related conditions. ClinVar contains an entry for this variant (Variation ID: 2524580). An algorithm developed to predict the effect of missense changes on protein structure and function outputs the following: PolyPhen-2: "Benign". The valine amino acid residue is found in multiple mammalian species, which suggests that this missense change does not adversely affect protein function. In summary, the available evidence is currently insufficient to determine the role of this variant in disease. Therefore, it has been classified as a Variant of Uncertain Significance.

Ambry Genetics
Classification: Uncertain significance. Last evaluated: 2023-05-24. Review status: criteria provided, single submitter. Criteria: Ambry Variant Classification Scheme 2023. Collection method: clinical testing. Allele origin: germline.
Comment: Does not currently meet published gene-disease clinical validity criteria Based on insufficient or conflicting evidence, the clinical significance of this alteration remains unclear.

Literature cited by the submitters: PubMed 28106320 (cited by Ambry Genetics).

NM_032607.3(CREB3L3):c.1325C>T (p.Ala442Val)

Genes: CREB3L3 (cAMP responsive element binding protein 3 like 3; plus strand), LOC125371455 (Sharpr-MPRA regulatory region 11650; plus strand). Cytogenetic location: 19p13.3.
Variant type: single nucleotide variant.
Coding change: c.1325C>T on transcript NM_032607.3 (MANE Select); coding-DNA position 1325, C replaced by T.
Protein change: p.Ala442Val; replaces alanine 442 with valine.
Molecular consequence: missense variant. On other transcripts: 3 prime UTR variant (1).
Genome position (GRCh38, 1-based): chr19:4,171,908, C>T. VCF-style: chr19-4171908-C-T. GRCh37 (hg19) VCF-style: chr19-4171905-C-T.
Other names: c.1322C>T, p.Ala441Val (NM_001271995.2); c.1319C>T, p.Ala440Val (NM_001271996.2); c.*204C>T (NM_001271997.2); short protein forms A442V, A441V, A440V.
Identifiers: ClinVar variation 2524580 (VCV002524580.3), dbSNP rs747375212, ClinGen allele CA9091682.
Genomic context (GRCh38, chr19:4,171,908, plus strand): 5'-CCCTGGTCCTGAGGAATGCAACAGAGGGGCTGGGCCAGGTCGCCCTGCTGGACTGGGTGG[C>T]GCCTGGGCCGAGCACTGGCTCAGGACGTGCAGGGCTGGAGGCGGCGGGAGACGAGCTGTG-3'
Protein context (NP_115996.1, residues 432-452): LGQVALLDWV[Ala442Val]PGPSTGSGRA